The following is an entry in ClinVar:

NM_015662.3(IFT172):c.177C>G (p.Asp59Glu)

Gene: IFT172 (intraflagellar transport 172; minus strand). Cytogenetic location: 2p23.3.
Variant type: single nucleotide variant.
Coding change: c.177C>G on transcript NM_015662.3 (MANE Select); coding-DNA position 177, C replaced by G.
Protein change: p.Asp59Glu; replaces aspartic acid 59 with glutamic acid.
Molecular consequence: missense variant.
Genome position (GRCh38, 1-based): chr2:27,485,366, G>C on the plus strand (C>G on the coding strand, the complement: IFT172 is on the minus strand). VCF-style: chr2-27485366-G-C. GRCh37 (hg19) VCF-style: chr2-27708233-G-C.
Other names: c.177C>G, p.Asp59Glu (NM_001410739.1); short protein forms D59E.
Identifiers: ClinVar variation 2628833 (VCV002628833.1), dbSNP rs950375924, ClinGen allele CA346402936.

ClinVar aggregate classification (germline): Uncertain significance (1 of 4 stars; one submission).

Conditions:
IFT172-related disorder. Also called: IFT172-related condition; IFT172-related disorders.

gnomAD v4.1: 1 of 1,614,060 alleles (0.000062%); highest among the groups gnomAD compares: African/African-American, 0.0013%; no homozygotes.

Submission:

PreventionGenetics, part of Exact Sciences
Classification: Uncertain significance for IFT172-related condition. Last evaluated: 2023-06-26. Review status: criteria provided, single submitter. Criteria: ACMG Guidelines, 2015. Collection method: clinical testing. Allele origin: germline.
Comment: The IFT172 c.177C>G variant is predicted to result in the amino acid substitution p.Asp59Glu. To our knowledge, this variant has not been reported in the literature or in a large population database, indicating this variant is rare. At this time, the clinical significance of this variant is uncertain due to the absence of conclusive functional and genetic evidence.